The following is an entry in ClinVar:

ClinVar aggregate classification (germline): Uncertain significance (1 of 4 stars; one submission).

Conditions:
Myofibrillar myopathy 4. Also called: Zaspopathy (type). Identifiers: Orphanet 98912, MedGen C4721886, MONDO:0012277, OMIM 609452.

Submission:

Labcorp Genetics (formerly Invitae), Labcorp
Classification: Uncertain significance for Myofibrillar myopathy 4. Last evaluated: 2018-06-22. Review status: criteria provided, single submitter. Criteria: Invitae Variant Classification Sherloc (09022015). Collection method: clinical testing. Allele origin: germline.
Comment: This sequence change replaces asparagine with isoleucine at codon 260 of the LDB3 protein (p.Asn260Ile). The asparagine residue is weakly conserved and there is a large physicochemical difference between asparagine and isoleucine. In summary, the available evidence is currently insufficient to determine the role of this variant in disease. Therefore, it has been classified as a Variant of Uncertain Significance. Algorithms developed to predict the effect of missense changes on protein structure and function are either unavailable or do not agree on the potential impact of this missense change (SIFT: "Deleterious"; PolyPhen-2: "Benign"; Align-GVGD: "Class C0"). This variant has not been reported in the literature in individuals with LDB3-related disease. This variant is not present in population databases (ExAC no frequency).

NM_001368067.1(LDB3):c.779A>T (p.Asn260Ile)

Gene: LDB3 (LIM domain binding 3; plus strand). Cytogenetic location: 10q23.2.
Variant type: single nucleotide variant.
Coding change: c.779A>T on transcript NM_001368067.1 (MANE Plus Clinical); coding-DNA position 779, A replaced by T.
Protein change: p.Asn260Ile; replaces asparagine 260 with isoleucine.
Molecular consequence: missense variant. On other transcripts: intron variant (6).
Genome position (GRCh38, 1-based): chr10:86,699,301, A>T. VCF-style: chr10-86699301-A-T. GRCh37 (hg19) VCF-style: chr10-88459058-A-T.
Other names: c.920A>T, p.Asn307Ile (NM_001080115.2, NM_001368063.1); c.779A>T, p.Asn260Ile (NM_001080116.1, NM_001368068.1); c.1124A>T, p.Asn375Ile (NM_001171611.2); c.896+6730A>T (NM_001368064.1, NM_007078.3, NM_001368065.1); c.1100+6730A>T (NM_001171610.2); c.755+6730A>T (NM_001368066.1, NM_001080114.2); short protein forms N260I, N307I, N375I.
Identifiers: ClinVar variation 1043059 (VCV001043059.9), dbSNP rs1299041306, ClinGen allele CA377444980.